The following is an entry in ClinVar:

ClinVar aggregate classification (germline): Uncertain significance (1 of 4 stars; one submission).

Submission:

Ambry Genetics
Classification: Uncertain significance. Last evaluated: 2026-06-05. Review status: criteria provided, single submitter. Criteria: Ambry Variant Classification Scheme 2023. Collection method: clinical testing. Allele origin: germline.
Comment: The p.K623I variant (also known as c.1868A>T), located in coding exon 2 of the CDK12 gene, results from an A to T substitution at nucleotide position 1868. The lysine at codon 623 is replaced by isoleucine, an amino acid with dissimilar properties. This amino acid position is conserved. In addition, the in silico prediction for this alteration is inconclusive. Based on the available evidence, the clinical significance of this variant remains unclear.

NM_016507.4(CDK12):c.1868A>T (p.Lys623Ile)

Gene: CDK12 (cyclin dependent kinase 12; plus strand). Cytogenetic location: 17q12.
Variant type: single nucleotide variant.
Coding change: c.1868A>T on transcript NM_016507.4 (MANE Select); coding-DNA position 1868, A replaced by T.
Protein change: p.Lys623Ile; replaces lysine 623 with isoleucine.
Molecular consequence: missense variant.
Genome position (GRCh38, 1-based): chr17:39,471,700, A>T. VCF-style: chr17-39471700-A-T. GRCh37 (hg19) VCF-style: chr17-37627953-A-T.
Other names: c.1868A>T, p.Lys623Ile (NM_015083.4); short protein forms K623I.
Identifiers: ClinVar variation 4868575 (VCV004868575.1).